The following is an entry in ClinVar:

NM_004958.4(MTOR):c.6644C>A (p.Ser2215Tyr)

Gene: MTOR (mechanistic target of rapamycin kinase; minus strand). Cytogenetic location: 1p36.22.
Variant type: single nucleotide variant.
Coding change: c.6644C>A on transcript NM_004958.4 (MANE Select); coding-DNA position 6644, C replaced by A.
Protein change: p.Ser2215Tyr; replaces serine 2215 with tyrosine.
Molecular consequence: missense variant.
Genome position (GRCh38, 1-based): chr1:11,124,516, G>T on the plus strand (C>A on the coding strand, the complement: MTOR is on the minus strand). VCF-style: chr1-11124516-G-T. GRCh37 (hg19) VCF-style: chr1-11184573-G-T.
Other names: NM_004958.3(MTOR):c.6644C>A; p.Ser2215Tyr; NM_004958.4(MTOR):c.6644C>A; c.6644C>A (LRG_734t1); short protein forms S2215Y.
Identifiers: ClinVar variation 376129 (VCV000376129.9), dbSNP rs587777894, ClinGen allele CA16602587.

ClinVar aggregate classification (germline): Pathogenic. Review status: reviewed by expert panel (3 of 4 stars). 3 submissions from 3 submitters: Pathogenic (1). 2 of the submissions do not count toward it. Last evaluated 2022-02-17.
ClinVar aggregate classification (somatic clinical impact): Tier II - Potential (1 of 4 stars; one submission).

Conditions:
Isolated focal cortical dysplasia type II (FCORD2). Also called: Focal cortical dysplasia type II; CORTICAL DYSPLASIA OF TAYLOR. Identifiers: Orphanet 268994, MedGen C1846385, MONDO:0011818, OMIM 607341, HP:0032051.
Overgrowth syndrome and/or cerebral malformations due to abnormalities in MTOR pathway genes. Identifiers: MedGen CN300503, MONDO:0100283.
Diffuse pediatric-type high-grade glioma, H3-wildtype and IDH-wildtype. Identifiers: MedGen C5669918, MONDO:0858939.

Submissions (4):

ClinGen Brain Malformations Variant Curation Expert Panel
Classification: Pathogenic for Overgrowth syndrome and/or cerebral malformations due to abnormalities in MTOR pathway genes. Last evaluated: 2022-02-17. Review status: reviewed by expert panel. Criteria: ClinGen BrainMalform ACMG Specifications v1. Collection method: curation. Allele origin: germline. Inheritance: Autosomal dominant inheritance.
Comment: The c.6644C>A (NM_004958.4) variant in MTOR is a missense variant predicted to cause substitution of (p.Ser2215Tyr). This variant is absent from gnomAD v2.1.1 (PM2_Supporting). MTOR, in which the variant was identified, is defined by the ClinGen Brain Malformations Expert Panel as a gene that has a low rate of benign missense variation and where pathogenic missense variants are a common mechanism of disease (PP2). A different amino acid change (p.Ser2215Phe), at this locus, is classified as pathogenic for Overgrowth with or without cerebral malformations due to abnormalities in MTOR-pathway genes by the ClinGen BMEP (PM5). This variant has been shown to significantly increase phosphorylation levels in experiments with case and controls cells of similar isogenic backgrounds indicating that this variant impacts protein function (PMIDs: 20190810, 24631838, 28963468) (PS3_Supporting). The prevalence of the variant in affected individuals is significantly increased compared with the prevalence in controls (PS4; PMID: 27830187, 29281825, 225401301, 26619011; identified in 5 individuals with neuropathology confirmatory of a malformation of cortical development, 1 individual with neuroimaging appearance consistent with a malformation of cortical development (without neuropathology), 1 individual with neuroimaging demonstrating at least one large cerebral hemisphere with cortical malformation(s), 15 tumor samples in the literature and COSMIC). Testing of unaffected and affected tissue show variable allelic fractions consistent with a post-zygotic event (PS2_Moderate; PMID: 26018084). In summary, this variant meets the criteria to be classified as Pathogenic for mosaic autosomal dominant overgrowth with or without cerebral malformations due to abnormalities in MTOR-pathway genes based on the ACMG/AMP criteria applied, as specified by the ClinGen Brain Malformations Expert Panel: PM2_P, PP2, PM5, PS3_P, PS4, PS2_M; 11 points (VCEP specifications version 1; Approved: 1/31/2021)

Institute for Genomic Medicine (IGM) Clinical Laboratory, Nationwide Children's Hospital
Classification: Tier II - Potential for Diffuse pediatric-type high-grade glioma, H3-wildtype and IDH-wildtype. Assertion type: diagnostic. Clinical significance: supports diagnosis. Last evaluated: 2023-12-04. Review status: criteria provided, single submitter. Criteria: AMP/ASCO/CAP Guidelines, 2017. Collection method: clinical testing. Allele origin: somatic. Affected: yes.
Comment: Variant has Tier II (potential) clinical significance as a diagnostic inclusion criterion in diffuse pediatric-type high-grade glioma, H3-wildtype and IDH-wildtype, based on the following evidence: 1) Documented in one or more cancer databases (e.g., St. Jude Pecan, COSMIC, CIViC, OncoKB). 2) Appears in one or more well-established professional guidelines (e.g., World Health Organization [WHO]; National Comprehensive Cancer Network [NCCN]) as providing diagnostic, prognostic, or therapeutic information. 3) Information in the literature supports potential biologic effect of variant (PMIDs: 20190810, 24631838). 4) Diagnostic significance based on multiple small studies (Evidence Level C; PMIDs: 28966033, 20190810, 24336570). 5) Assists in diagnosis alone or along with other biomarkers based on small studies or few case reports (Evidence Level D).

Human Genome Lab, NIMHANS, National Institute of Mental Health and Neuro Sciences
Classification: Pathogenic for Isolated focal cortical dysplasia type II. Review status: criteria provided, single submitter. Criteria: ACMG Guidelines, 2015. Collection method: research. Allele origin: somatic. Affected: yes. Observed: 5 variant alleles. Clinical features observed: Focal cortical dysplasia (HP:0032046). Not counted in ClinVar's aggregate classification.
Comment: The missense variant NM_004958.4(MTOR):c.6644C>A (p.Ser2215Tyr) causes the same amino acid change as a previously established pathogenic variant. The p.Ser2215Tyr variant is novel (not in any individuals) in 1kG All. The p.Ser2215Tyr variant is novel (not in any individuals) in gnomAD (gnomAD v.4.0.0). There is a large physicochemical difference between serine and tyrosine, which is likely to impact secondary protein structure as these residues differ in polarity, charge, size and/or other properties. The gene MTOR has a low rate of benign missense variation as indicated by a high missense variants Z-Score of 9.49. The gene MTOR contains 52 pathogenic missense variants, indicating that missense variants are a common mechanism of disease in this gene. 4 variants within 6 amino acid positions of the variant p.Ser2215Tyr have been shown to be pathogenic, while none have been shown to be benign. The p.Ser2215Tyr missense variant is predicted to be damaging by both SIFT and PolyPhen2. The serine residue at codon 2215 of MTOR is conserved in all mammalian species. The nucleotide c.6644 in MTOR is predicted conserved by GERP++ and PhyloP across 100 vertebrates. The variant was validated Real-Time quantitative PCR assay and also by orthogonal pipelines such as Strelka2 and VarScan2. For these reasons, this variant has been classified as Pathogenic. (ACMG criteria - PM2 PM1 PP2 PP3 PS1 PM5 PP4)

OMIM
Classification: Pathogenic for FOCAL CORTICAL DYSPLASIA, TYPE II, SOMATIC. Last evaluated: 2020-09-16. Review status: no assertion criteria provided. Collection method: literature only. Allele origin: somatic. Not counted in ClinVar's aggregate classification.

Literature cited by the submitters: PubMed 20190810 (cited by ClinGen Brain Malformations Variant Curation Expert Panel and Institute for Genomic Medicine (IGM) Clinical Laboratory, Nationwide Children's Hospital); PubMed 24631838 (cited by Institute for Genomic Medicine (IGM) Clinical Laboratory, Nationwide Children's Hospital); PubMed 28966033 (cited by Institute for Genomic Medicine (IGM) Clinical Laboratory, Nationwide Children's Hospital); PubMed 24336570 (cited by Institute for Genomic Medicine (IGM) Clinical Laboratory, Nationwide Children's Hospital); PubMed 26018084 (cited by OMIM); PubMed 27830187 (cited by OMIM); PubMed 27159400 (cited by OMIM).